The following is an entry in ClinVar:

ClinVar aggregate classification (germline): Pathogenic (1 of 4 stars; one submission).

Submission:

Labcorp Genetics (formerly Invitae), Labcorp
Classification: Pathogenic. Last evaluated: 2019-05-14. Review status: criteria provided, single submitter. Criteria: Invitae Variant Classification Sherloc (09022015). Collection method: clinical testing. Allele origin: germline.
Comment: For these reasons, this variant has been classified as Pathogenic. Loss-of-function variants in NSD1 are known to be pathogenic (PMID: 12464997, 14571271, 15942875, 16247291). This variant has not been reported in the literature in individuals with NSD1-related conditions. This variant is not present in population databases (ExAC no frequency). This sequence change creates a premature translational stop signal (p.Glu1261Glyfs*4) in the NSD1 gene. It is expected to result in an absent or disrupted protein product.

Literature cited by the submitters: PubMed 12464997; PubMed 14571271; PubMed 15942875; PubMed 16247291.

NM_022455.5(NSD1):c.3781dup (p.Glu1261fs)

Gene: NSD1 (nuclear receptor binding SET domain protein 1; plus strand). Cytogenetic location: 5q35.3.
Variant type: Duplication.
Coding change: c.3781dup on transcript NM_022455.5 (MANE Select); coding-DNA position 3781, one base duplicated (G; older notation c.3781dupG).
Protein change: p.Glu1261fs; shifts the reading frame from glutamic acid 1261.
Molecular consequence: frameshift variant.
Genome position (GRCh38, 1-based): chr5:177,212,180, G duplicated. VCF-style (leftmost placement, unchanged base first): chr5-177212179-T-TG. GRCh37 (hg19) VCF-style: chr5-176639180-T-TG.
Other names: c.2908dup, p.Glu970Glyfs (NM_001365684.2, NM_001409306.1, NM_001409307.1 and 3 more transcripts); c.3781dup, p.Glu1261Glyfs (NM_001409301.1, NM_001409302.1, NM_001409303.1); c.3361dup, p.Glu1121Glyfs (NM_001409304.1); c.3028dup, p.Glu1010Glyfs (NM_001409305.1); short protein forms E1261fs, E992fs.
Identifiers: ClinVar variation 944894 (VCV000944894.8), dbSNP rs1763397145, ClinGen allele CA1139655900.
Genomic context (GRCh38, chr5:177,212,179, plus strand): 5'-CAGTGCCAGCATTGGTGACATGGAAAAGGAGCCAGGAATTCCCAGTTTGACACCACAGGC[T>TG]GAGCTCCCTGAACCAGGTAAGGACATCTAAATGTGATAAAAAAAAAAAAATTGGAGAAAG-3'